The following is an entry in ClinVar:

ClinVar aggregate classification (germline): Uncertain significance. Review status: criteria provided, multiple submitters, no conflicts (2 of 4 stars). 2 submissions from 2 submitters: Uncertain significance (2). Last evaluated 2025-02-11.

Conditions:
Inborn genetic diseases. Identifiers: MedGen C0950123, MeSH D030342.
GM1 gangliosidosis. Identifiers: Orphanet 354, MedGen C0085131, MONDO:0018149.
Mucopolysaccharidosis, MPS-IV-B (MPS4B). Also called: MORQUIO SYNDROME B; Mucopolysaccharidosis Type IVB (Morquio B Disease); Mucopolysaccharidosis type IV B; Mucopolysaccharidosis Type IVB; Mucopolysaccharidosis type 4B; Mucopolysaccharidosis type IVB (Morquio). Identifiers: Orphanet 309310, Orphanet 582, MedGen C0086652, MONDO:0009660, OMIM 253010.

Allele frequency attached by ClinVar (database versions not stated): gnomAD exomes 0.00001; ExAC 0.00002; gnomAD 0.00003; TOPMed 0.00007; ESP Exome Variant Server 0.00008.
gnomAD v4.1: 18 of 1,614,036 alleles (0.0011%); highest among the groups gnomAD compares: African/African-American, 0.017%; no homozygotes.

Submissions (2):

Ambry Genetics
Classification: Uncertain significance for Inborn genetic diseases. Last evaluated: 2025-02-11. Review status: criteria provided, single submitter. Criteria: Ambry Variant Classification Scheme 2023. Collection method: clinical testing. Allele origin: germline.

Labcorp Genetics (formerly Invitae), Labcorp
Classification: Uncertain significance for Mucopolysaccharidosis, MPS-IV-B; GM1 gangliosidosis. Last evaluated: 2022-07-27. Review status: criteria provided, single submitter. Criteria: Invitae Variant Classification Sherloc (09022015). Collection method: clinical testing. Allele origin: germline.
Comment: This sequence change replaces threonine, which is neutral and polar, with methionine, which is neutral and non-polar, at codon 507 of the GLB1 protein (p.Thr507Met). This variant is present in population databases (rs369598326, gnomAD 0.03%). This variant has not been reported in the literature in individuals affected with GLB1-related conditions. Algorithms developed to predict the effect of missense changes on protein structure and function (SIFT, PolyPhen-2, Align-GVGD) all suggest that this variant is likely to be tolerated. In summary, the available evidence is currently insufficient to determine the role of this variant in disease. Therefore, it has been classified as a Variant of Uncertain Significance.

NM_000404.4(GLB1):c.1520C>T (p.Thr507Met)

Gene: GLB1 (galactosidase beta 1; minus strand). Cytogenetic location: 3p22.3.
Variant type: single nucleotide variant.
Coding change: c.1520C>T on transcript NM_000404.4 (MANE Select); coding-DNA position 1520, C replaced by T.
Protein change: p.Thr507Met; replaces threonine 507 with methionine.
Molecular consequence: missense variant.
Genome position (GRCh38, 1-based): chr3:33,014,270, G>A on the plus strand (C>T on the coding strand, the complement: GLB1 is on the minus strand). VCF-style: chr3-33014270-G-A. GRCh37 (hg19) VCF-style: chr3-33055762-G-A.
Other names: c.1520C>T (NM_000404.2); c.1430C>T, p.Thr477Met (NM_001079811.3); c.1127C>T, p.Thr376Met (NM_001135602.3); c.1664C>T, p.Thr555Met (NM_001317040.2); c.1520C>T, p.Thr507Met (NM_001393580.1); short protein forms T376M, T477M, T507M, T555M.
Identifiers: ClinVar variation 2044218 (VCV002044218.2), dbSNP rs369598326, ClinGen allele CA2299368.
Genomic context (GRCh38, chr3:33,014,270, plus strand): 5'-CAGCCCCCCAGGTGGCTGCACACTGCATCCTCAGTGTCCAGTGGAAAGATCGTCCAGTCC[G>A]TGAGGATATTGGAACTGAGAGTCAGGTTAGAAACCAAACCCTGCAAAGCAGAAACAGAGC-3'
Protein context (NP_000395.3, residues 497-517): SNLTLSSNIL[Thr507Met]DWTIFPLDTE